The following is an entry in ClinVar:

NM_000426.4(LAMA2):c.2348del (p.Pro783fs)

Gene: LAMA2 (laminin subunit alpha 2; plus strand). Cytogenetic location: 6q22.33.
Variant type: Deletion.
Coding change: c.2348del on transcript NM_000426.4 (MANE Select); coding-DNA position 2348, one base deleted (C; older notation c.2348delC).
Protein change: p.Pro783fs; shifts the reading frame from proline 783.
Molecular consequence: frameshift variant.
Genome position (GRCh38, 1-based): chr6:129,270,649, C deleted; the last of 3 consecutive C bases (chr6:129,270,647-129,270,649); deleting any one gives the same sequence. VCF-style (leftmost placement, unchanged base first): chr6-129270646-GC-G. GRCh37 (hg19) VCF-style: chr6-129591791-GC-G.
Other names: c.2348del, p.Pro783fs (NM_001079823.2); short protein forms P783fs.
Identifiers: ClinVar variation 1726184 (VCV001726184.3), dbSNP rs2482210063, ClinGen allele CA2580075029.

ClinVar aggregate classification (germline): Likely pathogenic (1 of 4 stars; one submission).

Conditions:
LAMA2-related muscular dystrophy (LAMA2-RD). Also called: Laminin alpha 2-related dystrophy. Identifiers: MedGen C5679788, MONDO:0100228.

Submission:

Myriad Genetics, Inc.
Classification: Likely pathogenic for LAMA2-related muscular dystrophy. Last evaluated: 2022-05-20. Review status: criteria provided, single submitter. Criteria: Myriad Autosomal Dominant, Autosomal Recessive and X-Linked Classification Criteria (2023). Collection method: clinical testing. Allele origin: unknown.
Comment: NM_000426.3(LAMA2):c.2348delC(P783Hfs*42) is expected to be pathogenic in the context of muscular dystrophy, LAMA2-related. This variant is predicted to lead to an abnormal or absent protein product due to the creation of a premature termination codon in LAMA2, a gene where loss-of-function variants are known to be pathogenic. Please note: this variant was assessed in the context of healthy population screening.